The following is an entry in ClinVar:

NM_000157.4(GBA1):c.1193G>C (p.Arg398Pro)

Genes: GBA1 (glucosylceramidase beta 1; minus strand), LOC106627981 (GBA recombination region; plus strand). Cytogenetic location: 1q22.
Variant type: single nucleotide variant.
Coding change: c.1193G>C on transcript NM_000157.4 (MANE Select); coding-DNA position 1193, G replaced by C.
Protein change: p.Arg398Pro; replaces arginine 398 with proline.
Molecular consequence: missense variant.
Genome position (GRCh38, 1-based): chr1:155,236,276, C>G on the plus strand (G>C on the coding strand, the complement: GBA1 is on the minus strand). VCF-style: chr1-155236276-C-G. GRCh37 (hg19) VCF-style: chr1-155206067-C-G.
Other names: c.1193G>C (NM_000157.3); c.1193G>C, p.Arg398Pro (NM_001005741.3, NM_001005742.3); c.932G>C, p.Arg311Pro (NM_001171811.2); c.1046G>C, p.Arg349Pro (NM_001171812.2); short protein forms R311P, R349P, R398P.
Identifiers: ClinVar variation 3385311 (VCV003385311.2).

ClinVar aggregate classification (germline): Pathogenic/Likely pathogenic. Review status: criteria provided, multiple submitters, no conflicts (2 of 4 stars). 2 submissions from 2 submitters: Pathogenic (1); Likely pathogenic (1). Last evaluated 2025-01-27.

Conditions:
Gaucher disease. Also called: Acute cerebral Gaucher disease; Cerebroside lipidosis syndrome; Gaucher splenomegaly; Sphingolipidosis 1; Glucocerebrosidosis; Glucosylceramidase deficiency. Identifiers: Orphanet 355, MedGen C0017205, MONDO:0018150.

Submissions (2):

Natera, Inc.
Classification: Likely pathogenic for Gaucher disease. Last evaluated: 2025-01-27. Review status: criteria provided, single submitter. Criteria: Natera Variant Classification Schema (03/2026). Collection method: clinical testing. Allele origin: germline.
Comment: The c.1193G>C variant in GBA1 is a missense variant predicted to cause substitution of arginine to proline at amino acid 398. This variant is rare in the general population with a frequency below the threshold expected for the associated phenotype(s). This variant has been observed in one or more individuals affected with the associated recessive disease, as either homozygous or compound heterozygous with a second variant (PMID: 33301762, 10757640, 39183396). A different variant at the same position has been determined to be Pathogenic or Likely Pathogenic. Computational prediction algorithms indicate this variant is likely to affect gene or protein function. Given the available evidence, this variant is classified as Likely Pathogenic.

Women's Health and Genetics/Laboratory Corporation of America, LabCorp
Classification: Pathogenic for Gaucher disease. Last evaluated: 2024-10-14. Review status: criteria provided, single submitter. Criteria: LabCorp Variant Classification Summary - May 2015. Collection method: clinical testing. Allele origin: germline.
Comment: Variant summary: GBA1 c.1193G>C (p.Arg398Pro) results in a non-conservative amino acid change located in the Glycosyl hydrolase family 30, TIM-barrel domain (IPR033453) of the encoded protein sequence. Five of five in-silico tools predict a damaging effect of the variant on protein function. The variant was absent in 1614028 control chromosomes. c.1193G>C has been reported in the literature in homozygous and compound heterozygous individuals affected with Gaucher Disease (Thomas_2021, Amaral_2000). These data indicate that the variant is likely associated with disease. A different variant affecting the same codon has been classified as pathogenic by our lab (c.1193G>A, p.Arg398Gln), supporting the critical relevance of codon 398 to GBA1 protein function.Two publication report experimental evidence evaluating an impact on protein function. The most pronounced variant effect results in 5-10% of normal activity in in vitro assay (Amaral_2000, Thomas_2021). No submitters have cited clinical-significance assessments for this variant to ClinVar. Based on the evidence outlined above, the variant was classified as pathogenic.

Literature cited by the submitters: PubMed 33301762 (cited by Natera, Inc. and Women's Health and Genetics/Laboratory Corporation of America, LabCorp); PubMed 10757640 (cited by Natera, Inc. and Women's Health and Genetics/Laboratory Corporation of America, LabCorp); PubMed 39183396 (cited by Natera, Inc.).